The following is an entry in ClinVar:

ClinVar aggregate classification (germline): Uncertain significance (1 of 4 stars; one submission).

Conditions:
Mitochondrial complex II deficiency, nuclear type 1. Also called: SUCCINATE CoQ REDUCTASE DEFICIENCY. Identifiers: Orphanet 3208, MedGen C5700310, MONDO:0100294, OMIM 252011.
Pheochromocytoma/paraganglioma syndrome 5. Also called: Paragangliomas 5; SDHA-Related Hereditary Paraganglioma-Pheochromocytoma Syndrome. Identifiers: Orphanet 29072, MedGen C3279992, MONDO:0013602, OMIM 614165.

Submission:

Labcorp Genetics (formerly Invitae), Labcorp
Classification: Uncertain significance for Pheochromocytoma/paraganglioma syndrome 5; Mitochondrial complex II deficiency, nuclear type 1. Last evaluated: 2023-06-27. Review status: criteria provided, single submitter. Criteria: Invitae Variant Classification Sherloc (09022015). Collection method: clinical testing. Allele origin: germline.
Comment: In summary, the available evidence is currently insufficient to determine the role of this variant in disease. Therefore, it has been classified as a Variant of Uncertain Significance. Advanced modeling of protein sequence and biophysical properties (such as structural, functional, and spatial information, amino acid conservation, physicochemical variation, residue mobility, and thermodynamic stability) has been performed at Invitae for this missense variant, however the output from this modeling did not meet the statistical confidence thresholds required to predict the impact of this variant on SDHA protein function. This variant has not been reported in the literature in individuals affected with SDHA-related conditions. This variant is not present in population databases (gnomAD no frequency). This sequence change replaces proline, which is neutral and non-polar, with alanine, which is neutral and non-polar, at codon 659 of the SDHA protein (p.Pro659Ala).

NM_004168.4(SDHA):c.1975C>G (p.Pro659Ala)

Gene: SDHA (succinate dehydrogenase complex flavoprotein subunit A; plus strand). Cytogenetic location: 5p15.33.
Variant type: single nucleotide variant.
Coding change: c.1975C>G on transcript NM_004168.4 (MANE Select); coding-DNA position 1975, C replaced by G.
Protein change: p.Pro659Ala; replaces proline 659 with alanine.
Molecular consequence: missense variant.
Genome position (GRCh38, 1-based): chr5:256,400, C>G. VCF-style: chr5-256400-C-G. GRCh37 (hg19) VCF-style: chr5-256515-C-G.
Other names: c.1831C>G, p.Pro611Ala (NM_001294332.2); c.1732C>G, p.Pro578Ala (NM_001330758.2); short protein forms P659A, P578A, P611A.
Identifiers: ClinVar variation 2949364 (VCV002949364.1), dbSNP rs2477489557, ClinGen allele CA359003113.